The following is an entry in ClinVar:

ClinVar aggregate classification (germline): Uncertain significance. Review status: criteria provided, multiple submitters, no conflicts (2 of 4 stars). 2 submissions from 2 submitters: Uncertain significance (2). Last evaluated 2025-01-02.

Conditions:
Hereditary cancer-predisposing syndrome. Also called: Hereditary Cancer Syndrome; Neoplastic Syndromes, Hereditary; Tumor predisposition; Hereditary neoplastic syndrome. Identifiers: Orphanet 140162, MedGen C0027672, MeSH D009386, MONDO:0015356.
Familial adenomatous polyposis 1 (FAP1). Also called: FAMILIAL ADENOMATOUS POLYPOSIS 1, ATTENUATED; POLYPOSIS, ADENOMATOUS INTESTINAL. Identifiers: MedGen C2713442, MONDO:0021056, OMIM 175100. Disease mechanism: loss of function.

Allele frequency attached by ClinVar (database versions not stated): gnomAD exomes below 0.00001.
gnomAD v4.1: 1 of 1,614,114 alleles (0.000062%); highest among the groups gnomAD compares: South Asian, 0.0011%; no homozygotes.

Submissions (2):

Ambry Genetics
Classification: Uncertain significance for Hereditary cancer-predisposing syndrome. Last evaluated: 2025-01-02. Review status: criteria provided, single submitter. Criteria: Ambry Variant Classification Scheme 2023. Collection method: clinical testing. Allele origin: germline.
Comment: The p.I1710K variant (also known as c.5129T>A), located in coding exon 15 of the APC gene, results from a T to A substitution at nucleotide position 5129. The isoleucine at codon 1710 is replaced by lysine, an amino acid with dissimilar properties. Missense alterations in APC are not a common cause of disease (Spier I et al. Genet Med. 2024 Feb;26(2):100992). This amino acid position is not well conserved in available vertebrate species. In addition, in silico predictors for this gene do not accurately predict pathogenicity. Based on the available evidence, the clinical significance of this variant remains unclear.

Labcorp Genetics (formerly Invitae), Labcorp
Classification: Uncertain significance for Familial adenomatous polyposis 1. Last evaluated: 2024-05-13. Review status: criteria provided, single submitter. Criteria: Invitae Variant Classification Sherloc (09022015). Collection method: clinical testing. Allele origin: germline.
Comment: This sequence change replaces isoleucine, which is neutral and non-polar, with lysine, which is basic and polar, at codon 1710 of the APC protein (p.Ile1710Lys). This variant is not present in population databases (gnomAD no frequency). This variant has not been reported in the literature in individuals affected with APC-related conditions. ClinVar contains an entry for this variant (Variation ID: 1745520). Advanced modeling of protein sequence and biophysical properties (such as structural, functional, and spatial information, amino acid conservation, physicochemical variation, residue mobility, and thermodynamic stability) performed at Invitae indicates that this missense variant is not expected to disrupt APC protein function with a negative predictive value of 95%. In summary, the available evidence is currently insufficient to determine the role of this variant in disease. Therefore, it has been classified as a Variant of Uncertain Significance.

NM_000038.6(APC):c.5129T>A (p.Ile1710Lys)

Gene: APC (APC regulator of Wnt signaling pathway; plus strand). Cytogenetic location: 5q22.2.
Variant type: single nucleotide variant.
Coding change: c.5129T>A on transcript NM_000038.6 (MANE Select); coding-DNA position 5129, T replaced by A.
Protein change: p.Ile1710Lys; replaces isoleucine 1710 with lysine.
Molecular consequence: missense variant.
Genome position (GRCh38, 1-based): chr5:112,840,723, T>A. VCF-style: chr5-112840723-T-A. GRCh37 (hg19) VCF-style: chr5-112176420-T-A.
Other names: c.4742T>A, p.Ile1581Lys (NM_001407467.1, NM_001407469.1); c.4280T>A, p.Ile1427Lys (NM_001407470.1, NM_001354906.2); c.3977T>A, p.Ile1326Lys (NM_001407471.1, NM_001407472.1); c.5129T>A, p.Ile1710Lys (NM_001127510.3, NM_001354895.2, NM_001407450.1); c.5075T>A, p.Ile1692Lys (NM_001127511.3); c.5183T>A, p.Ile1728Lys (NM_001354896.2, NM_001407447.1, NM_001407448.1 and 1 more transcripts); c.5159T>A, p.Ile1720Lys (NM_001354897.2); c.5054T>A, p.Ile1685Lys (NM_001354898.2); and 11 more; short protein forms I1326K, I1427K, I1550K, I1609K, I1710K, I1720K, I1728K, I1619K.
Identifiers: ClinVar variation 1745520 (VCV001745520.6), dbSNP rs1580656554, ClinGen allele CA16032539.